The following is an entry in ClinVar:

ClinVar aggregate classification (germline): Uncertain significance (0 of 4 stars; one submission).

Conditions:
TTN-related disorder. Also called: TTN-related disorders; TTN-related condition; TTN-related disease.

gnomAD v4.1: 3 of 1,612,758 alleles (0.00019%); highest among the groups gnomAD compares: East Asian, 0.0045%; no homozygotes.

Submission:

PreventionGenetics, part of Exact Sciences
Classification: Uncertain significance for TTN-related condition. Last evaluated: 2024-08-20. Review status: no assertion criteria provided. Collection method: clinical testing. Allele origin: germline.
Comment: The TTN c.64468G>T variant is predicted to result in the amino acid substitution p.Val21490Leu. To our knowledge, this variant has not been reported in the literature. This variant is reported in 0.011% of alleles in individuals of East Asian descent in gnomAD. At this time, the clinical significance of this variant is uncertain due to the absence of conclusive functional and genetic evidence.

NM_001267550.2(TTN):c.64468G>T (p.Val21490Leu)

Genes: TTN (titin; minus strand), TTN-AS1 (TTN antisense RNA 1; plus strand). Cytogenetic location: 2q31.2.
Variant type: single nucleotide variant.
Coding change: c.64468G>T on transcript NM_001267550.2 (MANE Select); coding-DNA position 64468, G replaced by T.
Protein change: p.Val21490Leu; replaces valine 21490 with leucine.
Molecular consequence: missense variant.
Genome position (GRCh38, 1-based): chr2:178,585,276, C>A on the plus strand (G>T on the coding strand, the complement: TTN is on the minus strand). VCF-style: chr2-178585276-C-A. GRCh37 (hg19) VCF-style: chr2-179450003-C-A.
Other names: c.59545G>T, p.Val19849Leu (NM_001256850.1); c.37273G>T, p.Val12425Leu (NM_003319.4); c.56764G>T, p.Val18922Leu (NM_133378.4); c.37648G>T, p.Val12550Leu (NM_133432.3); c.37849G>T, p.Val12617Leu (NM_133437.4); short protein forms V12425L, V12550L, V12617L, V18922L, V19849L, V21490L.
Identifiers: ClinVar variation 3345018 (VCV003345018.1).
Genomic context (GRCh38, chr2:178,585,276, plus strand): 5'-ATGTGACAACTTCATCTTCTCCTTTTTTCCATTTACAGGTGGGATGAGGCTTTCCATACA[C>A]ATGGGCTTCAATTCGGAGTTTTTTCCCAGCTTTGATAGTTATTTGCTCTGGCATAAGGAT-3'
Protein context (NP_001254479.2, residues 21480-21500): AGKKLRIEAH[Val21490Leu]YGKPHPTCKW